The following is an entry in ClinVar:

NM_001875.5(CPS1):c.1165-5T>C

Gene: CPS1 (carbamoyl-phosphate synthase 1; plus strand). Cytogenetic location: 2q34.
Variant type: single nucleotide variant.
Coding change: c.1165-5T>C on transcript NM_001875.5 (MANE Select); 5 bases into the intron before coding-DNA position 1165, T replaced by C.
Molecular consequence: intron variant.
Genome position (GRCh38, 1-based): chr2:210,594,503, T>C. VCF-style: chr2-210594503-T-C. GRCh37 (hg19) VCF-style: chr2-211459227-T-C.
Other names: c.1165-5T>C (NM_001369257.1, NM_001122633.3, LRG_336t1); c.1198-5T>C (NM_001369256.1).
Identifiers: ClinVar variation 382961 (VCV000382961.12), dbSNP rs565003226, ClinGen allele CA2086297.

ClinVar aggregate classification (germline): Benign/Likely benign. Review status: criteria provided, multiple submitters, no conflicts (2 of 4 stars). 2 submissions from 2 submitters: Benign (1); Likely benign (1). Last evaluated 2026-01-05.

Conditions:
Congenital hyperammonemia, type I. Also called: Carbamoyl-phosphate synthase I deficiency; CPS I DEFICIENCY; Carbamoyl phosphate synthetase I deficiency disease; Carbamoyl phosphate synthetase 1 deficiency; Hyperammonemia due to carbamoyl phosphate synthetase 1 deficiency; CPS 1 deficiency. Identifiers: Orphanet 147, MedGen C4082171, MONDO:0009376, OMIM 237300.

Allele frequency attached by ClinVar (database versions not stated): gnomAD 0.00004 and 0.00005; TOPMed 0.00011; 1000 Genomes Project 30x 0.00016; 1000 Genomes Project 0.00020; gnomAD exomes 0.00024 and 0.00053; ExAC 0.00043.
gnomAD v4.1: 149 of 1,602,012 alleles (0.0093%); highest among the groups gnomAD compares: Admixed American, 0.25%; 2 homozygotes.

Submissions (2):

Labcorp Genetics (formerly Invitae), Labcorp
Classification: Benign for Congenital hyperammonemia, type I. Last evaluated: 2026-01-05. Review status: criteria provided, single submitter. Criteria: Invitae Variant Classification Sherloc (09022015). Collection method: clinical testing. Allele origin: germline.

GeneDx
Classification: Likely benign. Last evaluated: 2016-01-27. Review status: criteria provided, single submitter. Criteria: GeneDx Variant Classification (06012015). Collection method: clinical testing. Allele origin: germline. Affected: yes.
Comment: This variant is considered likely benign or benign based on one or more of the following criteria: it is a conservative change, it occurs at a poorly conserved position in the protein, it is predicted to be benign by multiple in silico algorithms, and/or has population frequency not consistent with disease.